The following is an entry in ClinVar:

NM_000059.4(BRCA2):c.7418G>T (p.Cys2473Phe)

Gene: BRCA2 (BRCA2 DNA repair associated; plus strand). Cytogenetic location: 13q13.1.
Variant type: single nucleotide variant.
Coding change: c.7418G>T on transcript NM_000059.4 (MANE Select); coding-DNA position 7418, G replaced by T.
Protein change: p.Cys2473Phe; replaces cysteine 2473 with phenylalanine.
Molecular consequence: missense variant.
Genome position (GRCh38, 1-based): chr13:32,355,271, G>T. VCF-style: chr13-32355271-G-T. GRCh37 (hg19) VCF-style: chr13-32929408-G-T.
Other names: short protein forms C2473F.
Identifiers: ClinVar variation 1320503 (VCV001320503.11), dbSNP rs55924966, ClinGen allele CA387741969.

ClinVar aggregate classification (germline): Uncertain significance. Review status: criteria provided, multiple submitters, no conflicts (2 of 4 stars). 5 submissions from 5 submitters: Uncertain significance (5). Last evaluated 2025-08-28.

Conditions:
Hereditary cancer-predisposing syndrome. Also called: Hereditary neoplastic syndrome; Neoplastic Syndromes, Hereditary; Tumor predisposition; Hereditary Cancer Syndrome. Identifiers: Orphanet 140162, MedGen C0027672, MeSH D009386, MONDO:0015356.
Hereditary breast ovarian cancer syndrome. Also called: Hereditary breast and/or ovarian cancer syndrome; Hereditary breast and ovarian cancer syndrome; Hereditary breast and ovarian cancer; Breast and ovarian cancer; Hereditary breast and ovarian cancer syndrome (HBOC); BRCA1- and BRCA2-Associated Hereditary Breast and Ovarian Cancer. Identifiers: Orphanet 145, MedGen C0677776, MeSH D061325, MONDO:0003582. Disease mechanism: loss of function.

Submissions (5):

Labcorp Genetics (formerly Invitae), Labcorp
Classification: Uncertain significance for Hereditary breast ovarian cancer syndrome. Last evaluated: 2025-08-28. Review status: criteria provided, single submitter. Criteria: Invitae Variant Classification Sherloc (09022015). Collection method: clinical testing. Allele origin: germline.
Comment: This sequence change replaces cysteine, which is neutral and slightly polar, with phenylalanine, which is neutral and non-polar, at codon 2473 of the BRCA2 protein (p.Cys2473Phe). This variant is not present in population databases (gnomAD no frequency). This variant has not been reported in the literature in individuals affected with BRCA2-related conditions. ClinVar contains an entry for this variant (Variation ID: 1320503). Invitae Evidence Modeling of protein sequence and biophysical properties (such as structural, functional, and spatial information, amino acid conservation, physicochemical variation, residue mobility, and thermodynamic stability) indicates that this missense variant is not expected to disrupt BRCA2 protein function with a negative predictive value of 95%. In summary, the available evidence is currently insufficient to determine the role of this variant in disease. Therefore, it has been classified as a Variant of Uncertain Significance.

Ambry Genetics
Classification: Uncertain significance for Hereditary cancer-predisposing syndrome. Last evaluated: 2024-03-18. Review status: criteria provided, single submitter. Criteria: Ambry Variant Classification Scheme 2023. Collection method: clinical testing. Allele origin: germline.
Comment: The p.C2473F variant (also known as c.7418G>T), located in coding exon 13 of the BRCA2 gene, results from a G to T substitution at nucleotide position 7418. The cysteine at codon 2473 is replaced by phenylalanine, an amino acid with highly dissimilar properties. This amino acid position is not well conserved in available vertebrate species. In addition, this alteration is predicted to be tolerated by in silico analysis. Since supporting evidence is limited at this time, the clinical significance of this alteration remains unclear.

Women's Health and Genetics/Laboratory Corporation of America, LabCorp
Classification: Uncertain significance. Last evaluated: 2023-09-29. Review status: criteria provided, single submitter. Criteria: LabCorp Variant Classification Summary - May 2015. Collection method: clinical testing. Allele origin: germline.

Quest Diagnostics Nichols Institute San Juan Capistrano
Classification: Uncertain significance. Last evaluated: 2023-08-30. Review status: criteria provided, single submitter. Criteria: Quest Diagnostics criteria. Collection method: clinical testing. Allele origin: unknown.
Comment: This variant has not been reported in any individuals affected with BRCA2 related disease in the published literature. It also has not been reported in large, multi-ethnic general populations (Genome Aggregation Database). Analysis of this variant using bioinformatics tools for the prediction of the effect of amino acid changes on protein structure and function yielded predictions that this variant is benign. Based on the available information, we are unable to determine the clinical significance of this variant.

GeneDx
Classification: Uncertain significance. Last evaluated: 2021-02-09. Review status: criteria provided, single submitter. Criteria: GeneDx Variant Classification Process June 2021. Collection method: clinical testing. Allele origin: germline. Affected: yes.
Comment: Not observed in large population cohorts (Lek 2016); In silico analysis supports that this missense variant does not alter protein structure/function; Has not been previously published as pathogenic or benign to our knowledge; Also known as 7646G>T